The following is an entry in ClinVar:

ClinVar aggregate classification (germline): Benign/Likely benign. Review status: criteria provided, multiple submitters, no conflicts (2 of 4 stars). 4 submissions from 4 submitters: Benign (1); Likely benign (3). Last evaluated 2025-10-26.

Conditions:
Hereditary cancer-predisposing syndrome. Also called: Tumor predisposition; Neoplastic Syndromes, Hereditary; Hereditary Cancer Syndrome; Hereditary neoplastic syndrome. Identifiers: Orphanet 140162, MedGen C0027672, MeSH D009386, MONDO:0015356.
Lynch syndrome 4 (LYNCH4). Also called: Colorectal cancer, hereditary nonpolyposis, type 4; Hereditary non-polyposis colorectal cancer, type 4. Identifiers: Orphanet 144, MedGen C1838333, MONDO:0013699, OMIM 614337. Disease mechanism: loss of function.
Hereditary nonpolyposis colorectal neoplasms. Identifiers: MedGen C0009405, MeSH D003123.

Submissions (4):

Labcorp Genetics (formerly Invitae), Labcorp
Classification: Likely benign for Hereditary nonpolyposis colorectal neoplasms. Last evaluated: 2025-10-26. Review status: criteria provided, single submitter. Criteria: Invitae Variant Classification Sherloc (09022015). Collection method: clinical testing. Allele origin: germline.

Myriad Genetics, Inc.
Classification: Benign for Lynch syndrome 4. Last evaluated: 2025-01-28. Review status: criteria provided, single submitter. Criteria: Myriad Autosomal Dominant, Autosomal Recessive and X-Linked Classification Criteria (2023). Collection method: clinical testing. Allele origin: unknown.
Comment: This variant is considered benign. This variant is a silent/synonymous amino acid change and it is not expected to impact splicing.

Color Diagnostics, LLC DBA Color Health
Classification: Likely benign for Hereditary cancer-predisposing syndrome. Last evaluated: 2024-08-26. Review status: criteria provided, single submitter. Criteria: ACMG Guidelines, 2015. Collection method: clinical testing. Allele origin: germline.

Ambry Genetics
Classification: Likely benign for Hereditary cancer-predisposing syndrome. Last evaluated: 2023-01-12. Review status: criteria provided, single submitter. Criteria: Ambry Variant Classification Scheme 2023. Collection method: clinical testing. Allele origin: germline.

NM_000535.7(PMS2):c.822A>G (p.Ser274=)

Gene: PMS2 (PMS1 homolog 2, mismatch repair system component; minus strand). Cytogenetic location: 7p22.1.
Variant type: single nucleotide variant.
Coding change: c.822A>G on transcript NM_000535.7 (MANE Select); coding-DNA position 822, A replaced by G.
Protein change: p.Ser274=; no amino-acid change (serine 274 retained).
Molecular consequence: synonymous variant. On other transcripts: 5 prime UTR variant (2), non-coding transcript variant (1).
Genome position (GRCh38, 1-based): chr7:5,995,615, T>C on the plus strand (A>G on the coding strand, the complement: PMS2 is on the minus strand). VCF-style: chr7-5995615-T-C. GRCh37 (hg19) VCF-style: chr7-6035246-T-C.
Other names: c.417A>G, p.Ser139= (NM_001322003.2, NM_001322004.2, NM_001322005.2 and 2 more transcripts); c.822A>G, p.Ser274= (NM_001322006.2, NM_001322014.2); c.504A>G, p.Ser168= (NM_001322007.2, NM_001322008.2); c.-112A>G (NM_001322011.2, NM_001322012.2); c.249A>G, p.Ser83= (NM_001322013.2); c.513A>G, p.Ser171= (NM_001322015.2).
Identifiers: ClinVar variation 759788 (VCV000759788.14), dbSNP rs1583364821, ClinGen allele CA453645860.